The following is an entry in ClinVar:

NM_201384.3(PLEC):c.2029A>G (p.Asn677Asp)

Gene: PLEC (plectin; minus strand). Cytogenetic location: 8q24.3.
Variant type: single nucleotide variant.
Coding change: c.2029A>G on transcript NM_201384.3 (MANE Select); coding-DNA position 2029, A replaced by G.
Protein change: p.Asn677Asp; replaces asparagine 677 with aspartic acid.
Molecular consequence: missense variant.
Genome position (GRCh38, 1-based): chr8:143,932,183, T>C on the plus strand (A>G on the coding strand, the complement: PLEC is on the minus strand). VCF-style: chr8-143932183-T-C. GRCh37 (hg19) VCF-style: chr8-145006351-T-C.
Other names: c.2110A>G, p.Asn704Asp (NM_000445.5, NM_001410941.1); c.1987A>G, p.Asn663Asp (NM_201378.4); c.1963A>G, p.Asn655Asp (NM_201379.3); c.2440A>G, p.Asn814Asp (NM_201380.4); c.1933A>G, p.Asn645Asp (NM_201381.3); c.2029A>G, p.Asn677Asp (NM_201382.4); c.2041A>G, p.Asn681Asp (NM_201383.3); short protein forms N645D, N655D, N663D, N677D, N681D, N704D, N814D.
Identifiers: ClinVar variation 3749115 (VCV003749115.2).

ClinVar aggregate classification (germline): Uncertain significance (1 of 4 stars; one submission).

Conditions:
Epidermolysis bullosa simplex with nail dystrophy (EBS5D). Identifiers: MedGen C4225309, MONDO:0014661, OMIM 616487.
Autosomal recessive limb-girdle muscular dystrophy type 2Q (LGMDR17). Also called: MUSCULAR DYSTROPHY, LIMB-GIRDLE, AUTOSOMAL RECESSIVE 17. Identifiers: Orphanet 254361, MedGen C3150989, MONDO:0013390, OMIM 613723.
Epidermolysis bullosa simplex 5B, with muscular dystrophy (EBS5B). Also called: Epidermolysis bullosa simplex with muscular dystrophy; EPIDERMOLYSIS BULLOSA SIMPLEX AND LIMB-GIRDLE MUSCULAR DYSTROPHY. Identifiers: Orphanet 257, MedGen C2931072, MONDO:0009181, OMIM 226670.
Epidermolysis bullosa simplex 5C, with pyloric atresia (EBS5C). Also called: PLEC-Related Epidermolysis Bullosa with Pyloric Atresia; Epidermolysis bullosa simplex with pyloric atresia; PLEC1-Related Epidermolysis Bullosa with Pyloric Atresia. Identifiers: Orphanet 158684, MedGen C2677349, MONDO:0012807, OMIM 612138.
Epidermolysis bullosa simplex, Ogna type (EBS5A). Also called: Pidermolysis bullosa simplex 5A, Ogna type; EPIDERMOLYSIS BULLOSA SIMPLEX 5A, OGNA TYPE. Identifiers: Orphanet 79401, MedGen C0432317, MONDO:0007555, OMIM 131950.

Submission:

Labcorp Genetics (formerly Invitae), Labcorp
Classification: Uncertain significance for Autosomal recessive limb-girdle muscular dystrophy type 2Q; Epidermolysis bullosa simplex, Ogna type; Epidermolysis bullosa simplex with nail dystrophy; Epidermolysis bullosa simplex 5C, with pyloric atresia; Epidermolysis bullosa simplex 5B, with muscular dystrophy. Last evaluated: 2024-10-30. Review status: criteria provided, single submitter. Criteria: Invitae Variant Classification Sherloc (09022015). Collection method: clinical testing. Allele origin: germline.
Comment: This sequence change replaces asparagine, which is neutral and polar, with aspartic acid, which is acidic and polar, at codon 704 of the PLEC protein (p.Asn704Asp). This variant is not present in population databases (gnomAD no frequency). This variant has not been reported in the literature in individuals affected with PLEC-related conditions. Invitae Evidence Modeling of protein sequence and biophysical properties (such as structural, functional, and spatial information, amino acid conservation, physicochemical variation, residue mobility, and thermodynamic stability) indicates that this missense variant is not expected to disrupt PLEC protein function with a negative predictive value of 80%. In summary, the available evidence is currently insufficient to determine the role of this variant in disease. Therefore, it has been classified as a Variant of Uncertain Significance.